The following is an entry in ClinVar:

NM_001165963.4(SCN1A):c.265-6T>G

Gene: SCN1A (sodium voltage-gated channel alpha subunit 1; minus strand). Cytogenetic location: 2q24.3.
Variant type: single nucleotide variant.
Coding change: c.265-6T>G on transcript NM_001165963.4 (MANE Select); 6 bases into the intron before coding-DNA position 265, T replaced by G.
Molecular consequence: intron variant.
Genome position (GRCh38, 1-based): chr2:166,058,694, A>C on the plus strand (T>G on the coding strand, the complement: SCN1A is on the minus strand). VCF-style: chr2-166058694-A-C. GRCh37 (hg19) VCF-style: chr2-166915204-A-C.
Other names: c.265-6T>G (NM_001353949.2, NM_001353958.2, NM_001353950.2 and 10 more transcripts); c.-2161-6T>G (NM_001353961.2).
Identifiers: ClinVar variation 4531782 (VCV004531782.1).

ClinVar aggregate classification (germline): Uncertain significance (1 of 4 stars; one submission).

Conditions:
Severe myoclonic epilepsy in infancy (DRVT). Also called: Epileptic encephalopathy, early infantile, 6 (Dravet syndrome); SEVERE MYOCLONIC EPILEPSY OF INFANCY; DEVELOPMENTAL AND EPILEPTIC ENCEPHALOPATHY 6A; Severe Myoclonic Epilepsy in Infancy (SMEI); Dravet syndrome. Identifiers: Orphanet 33069, MedGen C0751122, MONDO:0100135, OMIM 607208.

Submission:

Victorian Clinical Genetics Services, Murdoch Childrens Research Institute
Classification: Uncertain significance for Severe myoclonic epilepsy in infancy. Last evaluated: 2025-02-17. Review status: criteria provided, single submitter. Criteria: ACMG Guidelines, 2015. Collection method: clinical testing. Allele origin: germline. Affected: yes.
Comment: This variant is classified as VUS-3A. Evidence in support of pathogenic classification: Non-canonical splice site variant without proven consequence on splicing (no functional evidence available); Variant is absent from gnomAD (v2, v3 and v4); Additional information: This variant is heterozygous; This gene is associated with autosomal dominant disease; This variant has no previous evidence of pathogenicity; No published segregation evidence has been identified for this variant; No published functional evidence has been identified for this variant; No comparable non-canonical splice site variants have previous evidence for pathogenicity; In silico prediction for abnormal splicing and nucleotide conservation are conflicting; Loss of function and gain of function are known mechanisms of disease in this gene and are associated with SCN1A-related epilepsy (PMID: 28488083); The condition associated with this gene has incomplete penetrance. Penetrance has been noted to vary by phenotype (PMID: 20301494); Variants in this gene are known to have variable expressivity. Both intrafamilial and interfamilial variability have been observed (PMID: 20301494).

Literature cited by the submitters: PubMed 28488083; PubMed 20301494.